The following is an entry in ClinVar:

ClinVar aggregate classification (germline): Uncertain significance (1 of 4 stars; one submission).

Conditions:
Charcot-Marie-Tooth disease axonal type 2Z. Also called: CHARCOT-MARIE-TOOTH DISEASE, AXONAL, AUTOSOMAL DOMINANT, TYPE 2Z; CHARCOT-MARIE-TOOTH NEUROPATHY, TYPE 2Z. Identifiers: Orphanet 466768, MedGen C5569025, MONDO:0014736, OMIM 616688.

Allele frequency attached by ClinVar (database versions not stated): gnomAD exomes below 0.00001 and 0.00001; TOPMed 0.00001; ExAC 0.00002.
gnomAD v4.1: 5 of 1,614,188 alleles (0.00031%); highest among the groups gnomAD compares: Non-Finnish European, 0.00042%; no homozygotes.

Submission:

Labcorp Genetics (formerly Invitae), Labcorp
Classification: Uncertain significance for Charcot-Marie-Tooth disease axonal type 2Z. Last evaluated: 2022-06-14. Review status: criteria provided, single submitter. Criteria: Invitae Variant Classification Sherloc (09022015). Collection method: clinical testing. Allele origin: germline.
Comment: This variant has not been reported in the literature in individuals affected with MORC2-related conditions. This variant is present in population databases (rs767254485, gnomAD 0.002%). This sequence change replaces glutamine, which is neutral and polar, with leucine, which is neutral and non-polar, at codon 878 of the MORC2 protein (p.Gln878Leu). ClinVar contains an entry for this variant (Variation ID: 856184). In summary, the available evidence is currently insufficient to determine the role of this variant in disease. Therefore, it has been classified as a Variant of Uncertain Significance. Advanced modeling of protein sequence and biophysical properties (such as structural, functional, and spatial information, amino acid conservation, physicochemical variation, residue mobility, and thermodynamic stability) performed at Invitae indicates that this missense variant is not expected to disrupt MORC2 protein function.

NM_001303256.3(MORC2):c.2633A>T (p.Gln878Leu)

Gene: MORC2 (MORC family CW-type zinc finger 2; minus strand). Cytogenetic location: 22q12.2.
Variant type: single nucleotide variant.
Coding change: c.2633A>T on transcript NM_001303256.3 (MANE Select); coding-DNA position 2633, A replaced by T.
Protein change: p.Gln878Leu; replaces glutamine 878 with leucine.
Molecular consequence: missense variant.
Genome position (GRCh38, 1-based): chr22:30,932,659, T>A on the plus strand (A>T on the coding strand, the complement: MORC2 is on the minus strand). VCF-style: chr22-30932659-T-A. GRCh37 (hg19) VCF-style: chr22-31328646-T-A.
Other names: c.2633A>T, p.Gln878Leu (NM_001303257.2); c.2447A>T, p.Gln816Leu (NM_014941.3); short protein forms Q816L, Q878L.
Identifiers: ClinVar variation 856184 (VCV000856184.10), dbSNP rs767254485, ClinGen allele CA10186607.
Genomic context (GRCh38, chr22:30,932,659, plus strand): 5'-GTGTCAGGCTCAATGCGGAGGCATTCGGAAGTGGAGGGCTCTGCGACAGCTATGGCCTGC[T>A]GGGCCACAGGGCCCACCTCCTCCTCCCCGCCCTCCTGTTGTGTATCAAGGCTCTGATGTT-3'
Protein context (NP_001290185.1, residues 868-888): GGEEEVGPVA[Gln878Leu]QAIAVAEPST